The following is an entry in ClinVar:

ClinVar aggregate classification (germline): Conflicting classifications of pathogenicity. Review status: criteria provided, conflicting classifications (1 of 4 stars). 8 submissions from 8 submitters: Uncertain significance (5); Likely benign (3). Last evaluated 2026-09-11.

Conditions:
Hereditary cancer-predisposing syndrome. Also called: Neoplastic Syndromes, Hereditary; Hereditary Cancer Syndrome; Tumor predisposition; Hereditary neoplastic syndrome. Identifiers: Orphanet 140162, MedGen C0027672, MeSH D009386, MONDO:0015356.
Pheochromocytoma/paraganglioma syndrome 2. Also called: Paragangliomas 2; SDHAF2-Related Hereditary Paraganglioma-Pheochromocytoma Syndrome; SDHAF2-Related Hereditary Paraganglioma-Pheochromocytoma Syndrome (Paragangliomas 2); GLOMUS TUMORS, FAMILIAL, 2. Identifiers: Orphanet 29072, MedGen C1866552, MONDO:0011121, OMIM 601650.
SDHAF2-related disorder. Also called: SDHAF2-related condition.
Hereditary pheochromocytoma and paraganglioma. Also called: Hereditary paragangliomas and pheochromocytomas; Hereditary pheochromocytoma-paraganglioma; Hereditary Paraganglioma-Pheochromocytoma Syndromes. Identifiers: Orphanet 29072, MedGen C4274332, MONDO:0017366.

Allele frequency attached by ClinVar (database versions not stated): ExAC 0.00003; ESP Exome Variant Server 0.00008; gnomAD exomes 0.00001 and 0.00004; TOPMed 0.00013; gnomAD 0.00014 and 0.00016.
gnomAD v4.1: 44 of 1,614,014 alleles (0.0027%); highest among the groups gnomAD compares: African/African-American, 0.043%; no homozygotes.

Submissions (8):

Ambry Genetics
Classification: Uncertain significance for Hereditary cancer-predisposing syndrome. Last evaluated: 2026-09-11. Review status: criteria provided, single submitter. Criteria: Ambry Variant Classification Scheme 2023. Collection method: clinical testing. Allele origin: germline.
Comment: The p.E111K variant (also known as c.331G>A), located in coding exon 3 of the SDHAF2 gene, results from a G to A substitution at nucleotide position 331. The glutamic acid at codon 111 is replaced by lysine, an amino acid with similar properties. This amino acid position is highly conserved in available vertebrate species. In addition, this alteration is predicted to be deleterious by in silico analysis. Based on the available evidence, the clinical significance of this variant remains unclear.

PreventionGenetics, part of Exact Sciences
Classification: Uncertain significance for SDHAF2-related condition. Last evaluated: 2026-06-24. Review status: criteria provided, single submitter. Criteria: ACMG Guidelines, 2015. Collection method: clinical testing. Allele origin: germline.
Comment: The SDHAF2 c.331G>A variant is predicted to result in the amino acid substitution p.Glu111Lys. To our knowledge, this variant has not been reported in the literature. This variant is reported in 0.040% of alleles in individuals of African descent in gnomAD and has conflicting interpretations in ClinVar ranging from likely benign to uncertain (Variation ID: 411611). Although we suspect that this variant may be benign, at this time, the clinical significance of this variant is uncertain due to the absence of conclusive functional and genetic evidence.

Dasa
Classification: Likely benign. Last evaluated: 2026-04-04. Review status: criteria provided, single submitter. Criteria: DASA Assertion Criteria. Collection method: clinical testing. Allele origin: germline.
Comment: NM_017841.4(SDHAF2):c.331G>A (p.Glu111Lys) is a missense variant that results in the substitution of glutamic acid with lysine. Population frequency is inconsistent with a disease-causing role for this variant. Therefore, based on the currently available evidence, this variant is classified as likely benign.

Labcorp Genetics (formerly Invitae), Labcorp
Classification: Uncertain significance for Hereditary pheochromocytoma and paraganglioma. Last evaluated: 2026-01-13. Review status: criteria provided, single submitter. Criteria: Invitae Variant Classification Sherloc (09022015). Collection method: clinical testing. Allele origin: germline.
Comment: This sequence change replaces glutamic acid, which is acidic and polar, with lysine, which is basic and polar, at codon 111 of the SDHAF2 protein (p.Glu111Lys). This variant is present in population databases (rs145616631, gnomAD 0.04%). This variant has not been reported in the literature in individuals affected with SDHAF2-related conditions. ClinVar contains an entry for this variant (Variation ID: 411611). An algorithm developed to predict the effect of missense changes on protein structure and function (PolyPhen-2) suggests that this variant is likely to be disruptive. In summary, the available evidence is currently insufficient to determine the role of this variant in disease. Therefore, it has been classified as a Variant of Uncertain Significance.

Baylor Genetics
Classification: Uncertain significance for Pheochromocytoma/paraganglioma syndrome 2. Last evaluated: 2024-03-06. Review status: criteria provided, single submitter. Criteria: ACMG Guidelines, 2015. Collection method: clinical testing. Allele origin: unknown.

Color Diagnostics, LLC DBA Color Health
Classification: Likely benign for Hereditary pheochromocytoma and paraganglioma. Last evaluated: 2023-11-20. Review status: criteria provided, single submitter. Criteria: ACMG Guidelines, 2015. Collection method: clinical testing. Allele origin: germline.

Quest Diagnostics Nichols Institute San Juan Capistrano
Classification: Likely benign. Last evaluated: 2023-08-09. Review status: criteria provided, single submitter. Criteria: Quest Diagnostics criteria. Collection method: clinical testing. Allele origin: unknown.

Sema4
Classification: Uncertain significance for Hereditary cancer-predisposing syndrome. Last evaluated: 2021-09-04. Review status: criteria provided, single submitter. Criteria: Sema4 Curation Guidelines. Collection method: curation. Allele origin: germline.
Comment: The SDHAF2 c.331G>A (p.E111K) variant has not been reported in the literature to our knowledge. It was observed in 9/24030 chromosomes of the African/African American subpopulation in the large and broad cohorts of the Genome Aggregation Database (PMID: 32461654). The variant has been reported in ClinVar (Variation ID 411611). Functional studies have not been performed, and in silico predictions of the variant's effect on protein function are inconclusive. The evidence is insufficient to meet ACMG/AMP criteria for classifying the variant as benign or pathogenic. Thus, the clinical significance of this variant is currently uncertain.

NM_017841.4(SDHAF2):c.331G>A (p.Glu111Lys)

Gene: SDHAF2 (succinate dehydrogenase complex assembly factor 2; plus strand). Cytogenetic location: 11q12.2.
Variant type: single nucleotide variant.
Coding change: c.331G>A on transcript NM_017841.4 (MANE Select); coding-DNA position 331, G replaced by A.
Protein change: p.Glu111Lys; replaces glutamic acid 111 with lysine.
Molecular consequence: missense variant.
Genome position (GRCh38, 1-based): chr11:61,438,074, G>A. VCF-style: chr11-61438074-G-A. GRCh37 (hg19) VCF-style: chr11-61205546-G-A.
Other names: short protein forms E111K.
Identifiers: ClinVar variation 411611 (VCV000411611.24), dbSNP rs145616631, ClinGen allele CA058486.
Genomic context (GRCh38, chr11:61,438,074, plus strand): 5'-AAAGAACATCTGCAGCACATGACAGAAAAGCAGCTGAACCTCTATGACCGCCTGATTAAC[G>A]AGCCTAGTAATGACTGGGATATTTACTACTGGGCCACAGGTACTGGGTATGATAAGCAGC-3'
Protein context (NP_060311.1, residues 101-121): QLNLYDRLIN[Glu111Lys]PSNDWDIYYW